The following is an entry in ClinVar:

NM_005236.3(ERCC4):c.1135C>T (p.Pro379Ser)

Gene: ERCC4 (ERCC excision repair 4, endonuclease catalytic subunit; plus strand). Cytogenetic location: 16p13.12.
Variant type: single nucleotide variant.
Coding change: c.1135C>T on transcript NM_005236.3 (MANE Select); coding-DNA position 1135, C replaced by T.
Protein change: p.Pro379Ser; replaces proline 379 with serine.
Molecular consequence: missense variant.
Genome position (GRCh38, 1-based): chr16:13,934,224, C>T. VCF-style: chr16-13934224-C-T. GRCh37 (hg19) VCF-style: chr16-14028081-C-T.
Other names: short protein forms P379S.
Identifiers: ClinVar variation 134148 (VCV000134148.57), dbSNP rs1799802, ClinGen allele CA158906.

ClinVar aggregate classification (germline): Conflicting classifications of pathogenicity. Review status: criteria provided, conflicting classifications (1 of 4 stars). 12 submissions from 12 submitters: Uncertain significance (2); Benign (4); Likely benign (4). 2 of the submissions do not count toward it. Last evaluated 2026-09-01.

Conditions:
ERCC4-related disorder. Also called: ERCC4-related condition.
Xeroderma pigmentosum, group F (XPF). Also called: XERODERMA PIGMENTOSUM, COMPLEMENTATION GROUP F; XERODERMA PIGMENTOSUM VI; XP, GROUP F; ERCC4-Related Xeroderma Pigmentosum; XERODERMA PIGMENTOSUM, TYPE F; Xeroderma pigmentosum, type 6. Identifiers: MedGen C0268140, MONDO:0010215, OMIM 278760.
Fanconi anemia complementation group Q. Identifiers: Orphanet 84, MedGen C3808988, MONDO:0014108, OMIM 615272.
Cockayne syndrome. Identifiers: Orphanet 191, MedGen C0009207, MONDO:0016006.
Hereditary cancer-predisposing syndrome. Also called: Neoplastic Syndromes, Hereditary; Tumor predisposition; Hereditary neoplastic syndrome; Hereditary Cancer Syndrome. Identifiers: Orphanet 140162, MedGen C0027672, MeSH D009386, MONDO:0015356.
XFE progeroid syndrome (XFEPS). Also called: XPF-ERCC1 PROGEROID SYNDROME. Identifiers: MedGen C1970416, MONDO:0012590, OMIM 610965.
Xeroderma pigmentosum (XP). Identifiers: Orphanet 910, MedGen C0043346, MONDO:0019600.

Allele frequency attached by ClinVar (database versions not stated): 1000 Genomes Project 30x 0.00203; 1000 Genomes Project 0.00220; TOPMed 0.00375; ExAC 0.00377; gnomAD exomes 0.00400 and 0.00568; ESP Exome Variant Server 0.00439; gnomAD 0.00456 and 0.00471.

Submissions (12):

CeGaT Center for Human Genetics Tuebingen
Classification: Likely benign. Last evaluated: 2026-09-01. Review status: criteria provided, single submitter. Criteria: CeGaT Center For Human Genetics Tuebingen Variant Classification Criteria Version 2. Collection method: clinical testing. Allele origin: germline. Affected: yes. Observed: 62 variant alleles.
Comment: ERCC4: BS2

Labcorp Genetics (formerly Invitae), Labcorp
Classification: Benign for Fanconi anemia complementation group Q; Xeroderma pigmentosum, group F; Cockayne syndrome. Last evaluated: 2026-02-04. Review status: criteria provided, single submitter. Criteria: Invitae Variant Classification Sherloc (09022015). Collection method: clinical testing. Allele origin: germline.

Molecular Diagnostics Laboratory, Catalan Institute of Oncology
Classification: Benign for Hereditary cancer-predisposing syndrome. Last evaluated: 2024-12-17. Review status: criteria provided, single submitter. Criteria: ACMG Guidelines, 2015. Collection method: clinical testing. Allele origin: germline.
Comment: BA1 c.1135C>T, located in exon 7 of the ERCC4 gene, is predicted to result in the substitution of Proline by Serine at codon 379, p.(Pro379Ser). The variant allele was found in 722/117866 alleles (5 homozygotes), with a filter allele frequency of 0.57% at 95% confidence, within the NFE population in the gnomAD v2.1.1 database (non-cancer data set) (BA1). The SpliceAI algorithm predicts no significant impact on splicing and the REVEL meta-predictor score (0.52) for this variant is indeterminate regarding the effect that it may have on protein function according Pejaver 2022 thresholds (PMID: 36413997). It has been studied in functional assays. They have shown a mildly deleterious effect of this variant on some aspects of protein function, while minimal to no effect on other aspects (PMID: 20221251, 30165384). It may confer a slight increase in the risk for sunburn (OR: 1.31, 95% CI [1.257, 1.431]) (PMID: 34662886). It has been reported in ClinVar (3x benign, 5x likely benign, 2x uncertain significance, 1x not provided). Based on currently available information, c.1135C>T is classified as a benign variant.

Women's Health and Genetics/Laboratory Corporation of America, LabCorp
Classification: Benign. Last evaluated: 2022-03-08. Review status: criteria provided, single submitter. Criteria: LabCorp Variant Classification Summary - May 2015. Collection method: clinical testing. Allele origin: germline.
Comment: Variant summary: ERCC4 c.1135C>T (p.Pro379Ser) results in a non-conservative amino acid change in the encoded protein sequence. Five of five in-silico tools predict a damaging effect of the variant on protein function. The variant allele was found at a frequency of 0.004 in 250774 control chromosomes in the gnomAD database, including 6 homozygotes. The observed variant frequency is approximately 20 fold of the estimated maximal expected allele frequency for a pathogenic variant in ERCC4 causing Xeroderma Pigmentosum phenotype (0.00019), strongly suggesting that the variant is benign. Five clinical diagnostic laboratories have submitted clinical-significance assessments for this variant to ClinVar after 2014 and classified the variant as benign (n=2), likely benign (n=1) and VUS (n=2). Based on the evidence outlined above, the variant was classified as benign.

Institute for Clinical Genetics, University Hospital TU Dresden, University Hospital TU Dresden
Classification: Uncertain significance. Last evaluated: 2021-11-03. Review status: criteria provided, single submitter. Criteria: ACMG Guidelines, 2015. Collection method: clinical testing. Allele origin: germline.

Genetic Services Laboratory, University of Chicago
Classification: Benign. Last evaluated: 2021-03-24. Review status: criteria provided, single submitter. Criteria: ACMG Guidelines, 2015. Collection method: clinical testing. Allele origin: germline. Affected: no.

Sema4
Classification: Likely benign for Xeroderma pigmentosum. Last evaluated: 2020-11-11. Review status: criteria provided, single submitter. Criteria: Sema4 Curation Guidelines. Collection method: curation. Allele origin: germline.

Illumina Laboratory Services, Illumina
Classification: Likely benign for Xeroderma pigmentosum, group F. Last evaluated: 2017-04-27. Review status: criteria provided, single submitter. Criteria: ICSL Variant Classification Criteria 13 December 2019. Collection method: clinical testing. Allele origin: germline.
Comment: This variant was observed as part of a predisposition screen in an ostensibly healthy population. A literature search was performed for the gene, cDNA change, and amino acid change (where applicable). Publications were found based on this search. The evidence from the literature, in combination with allele frequency data from public databases where available, was sufficient to determine this variant is unlikely to cause disease. Therefore, this variant is classified as likely benign.

Center for Pediatric Genomic Medicine, Children's Mercy Hospital and Clinics
Classification: Uncertain significance. Last evaluated: 2015-05-06. Review status: criteria provided, single submitter. Criteria: ACMG Guidelines, 2015. Collection method: clinical testing. Allele origin: germline.
ClinVar note: Converted during submission from Uncertain Significance to Uncertain significance.

Center for Genomics, Ann and Robert H. Lurie Children's Hospital of Chicago
Classification: Likely benign for Xeroderma pigmentosum, group F; XFE progeroid syndrome; Fanconi anemia complementation group Q. Review status: criteria provided, single submitter. Criteria: ACMG Guidelines, 2015. Collection method: clinical testing. Allele origin: germline.
Comment: This variant has been reported in the literature in the compound heterozygous and homozygous states in at least 3 individuals with mild xeroderma pigmentosum (Ahmad 2010 PMID:20221251; Fassihi 2016 PMID:26884178). This variant is present in the Genome Aggregation Database (Highest reported MAF: 0.7% [463/67788], including in 7 total homozygotes), and is present in ClinVar (Variation ID:134148). Evolutionary conservation and computational predictive tools for this variant are unclear. Functional studies have shown a mildly deleterious effect of this variant on some aspects of protein function, while minimal to no effect on other aspects (Ahmad 2010 PMID:20221251; Sabatella 2018 PMID:30165384). However, these studies may not accurately represent in vivo biological function. This variant may confer a slight increase in the risk for sunburn (OR: 1.31, 95% CI [1.257, 1.431]) (Backman 2021 PMID:34662886). In summary, data on this variant suggests that this variant does not cause disease but requires further evidence. Therefore, this variant is classified as likely benign.

PreventionGenetics, part of Exact Sciences
Classification: Likely benign for ERCC4-related condition. Last evaluated: 2019-04-25. Review status: no assertion criteria provided. Collection method: clinical testing. Allele origin: germline. Not counted in ClinVar's aggregate classification.
Comment: This variant is classified as likely benign based on ACMG/AMP sequence variant interpretation guidelines (Richards et al. 2015 PMID: 25741868, with internal and published modifications).

ITMI
No classification provided. Condition: AllHighlyPenetrant. Last evaluated: 2013-09-19. Review status: no classification provided. Collection method: reference population. Allele origin: germline. Not counted in ClinVar's aggregate classification.
Comment: Please see associated publication for description of ethnicities

Literature cited by the submitters: PubMed 15159313 (cited by Illumina Laboratory Services, Illumina); PubMed 9485007 (cited by Illumina Laboratory Services, Illumina); PubMed 20221251 (cited by Illumina Laboratory Services, Illumina); PubMed 24728327 (cited by ITMI).